The following is an entry in ClinVar:

NM_006949.4(STXBP2):c.1620C>A (p.Gly540=)

Gene: STXBP2 (syntaxin binding protein 2; plus strand). Cytogenetic location: 19p13.2.
Variant type: single nucleotide variant.
Coding change: c.1620C>A on transcript NM_006949.4 (MANE Select); coding-DNA position 1620, C replaced by A.
Protein change: p.Gly540=; no amino-acid change (glycine 540 retained).
Molecular consequence: synonymous variant. On other transcripts: non-coding transcript variant (1).
Genome position (GRCh38, 1-based): chr19:7,647,435, C>A. VCF-style: chr19-7647435-C-A. GRCh37 (hg19) VCF-style: chr19-7712321-C-A.
Other names: c.1611C>A, p.Gly537= (NM_001127396.3); c.1653C>A, p.Gly551= (NM_001272034.2).
Identifiers: ClinVar variation 659873 (VCV000659873.1), dbSNP rs374131788, ClinGen allele CA505408068.
Genomic context (GRCh38, chr19:7,647,435, plus strand): 5'-CAAGAACAAGGCTGGCATAGAAGCCCGGGCGGGCCCCCGGCTCATCGTGTATGTCATGGG[C>A]GGTGTGGCCATGTCAGAGATGAGGGCCGCCTACGAGGTGACCAGGGCCACCGAGGGCAAG-3'
Protein context (NP_008880.2, residues 530-550): AGPRLIVYVM[Gly540=]GVAMSEMRAA

ClinVar aggregate classification (germline): Uncertain significance (1 of 4 stars; one submission).

Conditions:
Familial hemophagocytic lymphohistiocytosis 5. Also called: STXBP2-Related Familial Hemophagocytic Lymphohistiocytosis (STXBP2-fHLH). Identifiers: Orphanet 540, MedGen C2751293, MONDO:0013135, OMIM 613101.

Allele frequency attached by ClinVar (database versions not stated): TOPMed 0.00001.
gnomAD v4.1: 2 of 1,613,382 alleles (0.00012%); highest among the groups gnomAD compares: Non-Finnish European, 0.00017%; no homozygotes.

Submission:

Labcorp Genetics (formerly Invitae), Labcorp
Classification: Uncertain significance for Hemophagocytic lymphohistiocytosis, familial, 5. Last evaluated: 2018-12-25. Review status: criteria provided, single submitter. Criteria: Invitae Variant Classification Sherloc (09022015). Collection method: clinical testing. Allele origin: germline.
Comment: This sequence change affects codon 540 of the STXBP2 mRNA. It is a 'silent' change, meaning that it does not change the encoded amino acid sequence of the STXBP2 protein. This variant is not present in population databases (ExAC no frequency). This variant has not been reported in the literature in individuals with STXBP2-related conditions. Algorithms developed to predict the effect of sequence changes on RNA splicing suggest that this variant may create or strengthen a splice site, but this prediction has not been confirmed by published transcriptional studies. In summary, the available evidence is currently insufficient to determine the role of this variant in disease. Therefore, it has been classified as a Variant of Uncertain Significance.